The following is an entry in ClinVar:

ClinVar aggregate classification (germline): Uncertain significance (1 of 4 stars; one submission).

Conditions:
Inborn genetic diseases. Identifiers: MedGen C0950123, MeSH D030342.

Submission:

Ambry Genetics
Classification: Uncertain significance for Inborn genetic diseases. Last evaluated: 2023-09-17. Review status: criteria provided, single submitter. Criteria: Ambry Variant Classification Scheme 2023. Collection method: clinical testing. Allele origin: germline.
Comment: The p.E2488V variant (also known as c.7463A>T) is located in coding exon 51 of the LRRK2 gene. The glutamic acid at codon 2488 is replaced by valine, an amino acid with dissimilar properties. This change occurs in the first base pair of coding exon 51. This amino acid position is conserved. In addition, the in silico prediction for this alteration is inconclusive. Since supporting evidence is limited at this time, the clinical significance of this alteration remains unclear.

NM_198578.4(LRRK2):c.7463A>T (p.Glu2488Val)

Gene: LRRK2 (leucine rich repeat kinase 2; plus strand). Cytogenetic location: 12q12.
Variant type: single nucleotide variant.
Coding change: c.7463A>T on transcript NM_198578.4 (MANE Select); coding-DNA position 7463, A replaced by T.
Protein change: p.Glu2488Val; replaces glutamic acid 2488 with valine.
Molecular consequence: missense variant.
Genome position (GRCh38, 1-based): chr12:40,367,644, A>T. VCF-style: chr12-40367644-A-T. GRCh37 (hg19) VCF-style: chr12-40761446-A-T.
Other names: short protein forms E2488V.
Identifiers: ClinVar variation 3229793 (VCV003229793.1), dbSNP rs2500065236, ClinGen allele CA384415979.
Genomic context (GRCh38, chr12:40,367,644, plus strand): 5'-AAAATAAGAATGTTTTATGATGGATCTTTGAAACATGATTTCATTTTTTTCTTTTTCTAG[A>T]GATACAATCTTGCTTGACCGTTTGGGACATCAATCTTCCACATGAAGTGCAAAATTTAGA-3'
Protein context (NP_940980.4, residues 2478-2498): KNTEGTQKQK[Glu2488Val]IQSCLTVWDI